The following is an entry in ClinVar:

NM_001130987.2(DYSF):c.5393dup (p.Leu1799fs)

Gene: DYSF (dysferlin; plus strand). Cytogenetic location: 2p13.2.
Variant type: Duplication.
Coding change: c.5393dup on transcript NM_001130987.2 (MANE Select); coding-DNA position 5393, one base duplicated (G; older notation c.5393dupG).
Protein change: p.Leu1799fs; shifts the reading frame from leucine 1799.
Molecular consequence: frameshift variant.
Genome position (GRCh38, 1-based): chr2:71,667,451, G duplicated; the last of 3 consecutive G bases (chr2:71,667,449-71,667,451); duplicating any one gives the same sequence. VCF-style (leftmost placement, unchanged base first): chr2-71667448-A-AG. GRCh37 (hg19) VCF-style: chr2-71894578-A-AG.
Other names: c.5279dup, p.Leu1761fs (NM_001130455.2); c.5234dup, p.Leu1746fs (NM_001130976.2); c.5297dup, p.Leu1767fs (NM_001130977.2); c.5339dup, p.Leu1781fs (NM_001130978.2); c.5369dup, p.Leu1791fs (NM_001130979.2); c.5327dup, p.Leu1777fs (NM_001130980.2); c.5390dup, p.Leu1798fs (NM_001130981.2); c.5372dup, p.Leu1792fs (NM_001130982.2); and 5 more; short protein forms L1746fs, L1747fs, L1760fs, L1761fs, L1767fs, L1768fs, L1777fs, L1778fs.
Identifiers: ClinVar variation 5011862 (VCV005011862.1).
Genomic context (GRCh38, chr2:71,667,448, plus strand): 5'-TCCCAAACCCACACCTGGGCCCAGTGGAGGAGCGTCTGGCTCTGCATGTGCTTCAGCAGC[A>AG]GGGCCTGGTCCCGGAGCACGTGGAGTCACGGCCCCTCTACAGCCCCCTGCAGCCAGACAT-3'

ClinVar aggregate classification (germline): Pathogenic (1 of 4 stars; one submission).

Conditions:
Autosomal recessive limb-girdle muscular dystrophy. Identifiers: Orphanet 102015, MedGen C2931907, MONDO:0015152.

Submission:

Myriad Genetics, Inc.
Classification: Pathogenic for Autosomal recessive limb-girdle muscular dystrophy. Last evaluated: 2023-09-27. Review status: criteria provided, single submitter. Criteria: Myriad Autosomal Dominant, Autosomal Recessive and X-Linked Classification Criteria (2023). Collection method: clinical testing. Allele origin: unknown.
Comment: NM_003494.3(DYSF):c.5276dupG(L1760Pfs*68) is expected to be pathogenic in the context of dysferlinopathy. This variant is predicted to lead to an abnormal or absent protein product due to the creation of a premature termination codon in DYSF, a gene where loss-of-function variants are known to be pathogenic. Please note: this variant was assessed in the context of healthy population screening.